The following is an entry in ClinVar:

ClinVar aggregate classification (germline): Likely benign (1 of 4 stars; one submission).

Conditions:
PDE6B-related disorder. Also called: PDE6B-related disorders; PDE6B-related disease; PDE6B-related condition.

Submission:

PreventionGenetics, part of Exact Sciences
Classification: Likely benign for PDE6B-related condition. Last evaluated: 2025-09-19. Review status: criteria provided, single submitter. Criteria: ACMG Guidelines, 2015. Collection method: clinical testing. Allele origin: germline.
Comment: This variant is classified as likely benign based on ACMG/AMP sequence variant interpretation guidelines (Richards et al. 2015 PMID: 25741868, with internal and published modifications).

NM_000283.4(PDE6B):c.2564G>A (p.Ter855=)

Gene: PDE6B (phosphodiesterase 6B; plus strand). Cytogenetic location: 4p16.3.
Variant type: single nucleotide variant.
Coding change: c.2564G>A on transcript NM_000283.4 (MANE Select); coding-DNA position 2564, G replaced by A.
Protein change: p.Ter855=.
Molecular consequence: synonymous variant. On other transcripts: 3 prime UTR variant (1).
Genome position (GRCh38, 1-based): chr4:670,106, G>A. VCF-style: chr4-670106-G-A. GRCh37 (hg19) VCF-style: chr4-663895-G-A.
Other names: c.2561G>A, p.Ter854= (NM_001145291.2); c.1727G>A, p.Ter576= (NM_001145292.2, NM_001379246.1, NM_001379247.1); c.1662G>A, p.Val554= (NM_001350154.3); c.1344G>A, p.Val448= (NM_001350155.3); c.2499G>A, p.Val833= (NM_001440547.1); c.*58G>A (NM_001440548.1).
Identifiers: ClinVar variation 4988623 (VCV004988623.1).